The following is an entry in ClinVar:

ClinVar aggregate classification (germline): Uncertain significance (1 of 4 stars; one submission).

Conditions:
Hereditary cancer-predisposing syndrome. Also called: Neoplastic Syndromes, Hereditary; Tumor predisposition; Hereditary Cancer Syndrome; Hereditary neoplastic syndrome. Identifiers: Orphanet 140162, MedGen C0027672, MeSH D009386, MONDO:0015356.

gnomAD v4.1: 1 of 1,614,150 alleles (0.000062%); no homozygotes.

Submission:

Ambry Genetics
Classification: Uncertain significance for Hereditary cancer-predisposing syndrome. Last evaluated: 2021-03-30. Review status: criteria provided, single submitter. Criteria: Ambry Variant Classification Scheme 2023. Collection method: clinical testing. Allele origin: germline.
Comment: The p.S267Y variant (also known as c.800C>A), located in coding exon 9 of the RAD51D gene, results from a C to A substitution at nucleotide position 800. The serine at codon 267 is replaced by tyrosine, an amino acid with dissimilar properties. This amino acid position is highly conserved in available vertebrate species. In addition, this alteration is predicted to be deleterious by in silico analysis. Since supporting evidence is limited at this time, the clinical significance of this alteration remains unclear.

NM_002878.4(RAD51D):c.800C>A (p.Ser267Tyr)

Genes: RAD51L3-RFFL (RAD51L3-RFFL readthrough; minus strand), RAD51D (RAD51 paralog D; minus strand). Cytogenetic location: 17q12.
Variant type: single nucleotide variant.
Coding change: c.800C>A on transcript NM_002878.4 (MANE Select); coding-DNA position 800, C replaced by A.
Protein change: p.Ser267Tyr; replaces serine 267 with tyrosine.
Molecular consequence: missense variant. On other transcripts: non-coding transcript variant (3).
Genome position (GRCh38, 1-based): chr17:35,101,304, G>T on the plus strand (C>A on the coding strand, the complement: RAD51D is on the minus strand). VCF-style: chr17-35101304-G-T. GRCh37 (hg19) VCF-style: chr17-33428323-G-T.
Other names: c.860C>A, p.Ser287Tyr (NM_001142571.2); c.464C>A, p.Ser155Tyr (NM_133629.3); short protein forms S155Y, S287Y, S267Y.
Identifiers: ClinVar variation 1761631 (VCV001761631.2), dbSNP rs1064793702, ClinGen allele CA399086810.